The following is an entry in ClinVar:

ClinVar aggregate classification (germline): Uncertain significance (1 of 4 stars; one submission).

Submission:

Labcorp Genetics (formerly Invitae), Labcorp
Classification: Uncertain significance. Last evaluated: 2024-01-06. Review status: criteria provided, single submitter. Criteria: Invitae Variant Classification Sherloc (09022015). Collection method: clinical testing. Allele origin: germline.
Comment: This sequence change replaces serine, which is neutral and polar, with aspartic acid, which is acidic and polar, at codon 383 of the PPARG protein (p.Ser383Asp). Information on the frequency of this variant in the gnomAD database is not available, as this variant may be reported differently in the database. This variant has not been reported in the literature in individuals affected with PPARG-related conditions. An algorithm developed to predict the effect of missense changes on protein structure and function (PolyPhen-2) suggests that this variant is likely to be disruptive. In summary, the available evidence is currently insufficient to determine the role of this variant in disease. Therefore, it has been classified as a Variant of Uncertain Significance.

NM_138711.6(PPARG):c.1057_1058delinsGA (p.Ser353Asp)

Gene: PPARG (peroxisome proliferator activated receptor gamma; plus strand). Cytogenetic location: 3p25.2.
Variant type: Indel.
Coding change: c.1057_1058delinsGA on transcript NM_138711.6 (MANE Select); coding-DNA positions 1057 to 1058, AG replaced by GA.
Protein change: p.Ser353Asp; replaces serine 353 with aspartic acid.
Molecular consequence: missense variant. On other transcripts: intron variant (5).
Genome position (GRCh38, 1-based): chr3:12,417,031-12,417,032, AG replaced by GA. VCF-style: chr3-12417031-AG-GA. GRCh37 (hg19) VCF-style: chr3-12458530-AG-GA.
Other names: c.1057_1058delinsGA, p.Ser353Asp (NM_001354666.3, NM_001354667.3, NM_001374263.2 and 3 more transcripts); c.430_431delinsGA, p.Ser144Asp (NM_001354669.2); c.1147_1148delinsGA, p.Ser383Asp (NM_015869.5); c.729+10950_729+10951delinsGA (NM_001374261.3, NM_001374262.3, NM_001330615.4); c.653+11032_653+11033delinsGA (NM_001374266.1); c.819+10950_819+10951delinsGA (NM_001374265.1); short protein forms S383D, S353D, S144D.
Identifiers: ClinVar variation 2867439 (VCV002867439.3), dbSNP rs2471062344, ClinGen allele CA2739277866.